The following is an entry in ClinVar:

NM_013314.4(BLNK):c.1291C>A (p.His431Asn)

Genes: BLNK (B cell linker; minus strand), ZNF518A (zinc finger protein 518A; plus strand). Cytogenetic location: 10q24.1.
Variant type: single nucleotide variant.
Coding change: c.1291C>A on transcript NM_013314.4 (MANE Select); coding-DNA position 1291, C replaced by A.
Protein change: p.His431Asn; replaces histidine 431 with asparagine.
Molecular consequence: missense variant. On other transcripts: non-coding transcript variant (4).
Genome position (GRCh38, 1-based): chr10:96,192,053, G>T on the plus strand (C>A on the coding strand, the complement: BLNK is on the minus strand). VCF-style: chr10-96192053-G-T. GRCh37 (hg19) VCF-style: chr10-97951809-G-T.
Other names: c.1222C>A, p.His408Asn (NM_001114094.2); c.1135C>A, p.His379Asn (NM_001258440.2); c.1066C>A, p.His356Asn (NM_001258441.2); c.820C>A, p.His274Asn (NM_001258442.2); short protein forms H274N, H431N, H379N, H356N, H408N.
Identifiers: ClinVar variation 2152467 (VCV002152467.1), dbSNP rs782296230, ClinGen allele CA5623134.

ClinVar aggregate classification (germline): Uncertain significance (1 of 4 stars; one submission).

Conditions:
Agammaglobulinemia 4, autosomal recessive (AGM4). Also called: AGAMMAGLOBULINEMIA, AUTOSOMAL RECESSIVE, DUE TO BLNK DEFECT; B cell linker protein deficiency. Identifiers: MedGen C3150752, MONDO:0013289, OMIM 613502.

Allele frequency attached by ClinVar (database versions not stated): ExAC 0.00001; gnomAD 0.00001.
gnomAD v4.1: 1 of 1,613,556 alleles (0.000062%); highest among the groups gnomAD compares: Non-Finnish European, 0.000085%; no homozygotes.

Submission:

Labcorp Genetics (formerly Invitae), Labcorp
Classification: Uncertain significance for Agammaglobulinemia 4, autosomal recessive. Last evaluated: 2022-08-19. Review status: criteria provided, single submitter. Criteria: Invitae Variant Classification Sherloc (09022015). Collection method: clinical testing. Allele origin: germline.
Comment: This sequence change replaces histidine, which is basic and polar, with asparagine, which is neutral and polar, at codon 431 of the BLNK protein (p.His431Asn). This variant is present in population databases (rs782296230, gnomAD 0.002%). This variant has not been reported in the literature in individuals affected with BLNK-related conditions. Algorithms developed to predict the effect of missense changes on protein structure and function are either unavailable or do not agree on the potential impact of this missense change (SIFT: "Tolerated"; PolyPhen-2: "Possibly Damaging"; Align-GVGD: "Class C0"). In summary, the available evidence is currently insufficient to determine the role of this variant in disease. Therefore, it has been classified as a Variant of Uncertain Significance.